The following is an entry in ClinVar:

ClinVar aggregate classification (germline): Uncertain significance. Review status: criteria provided, multiple submitters, no conflicts (2 of 4 stars). 2 submissions from 2 submitters: Uncertain significance (2). Last evaluated 2024-08-13.

Conditions:
Emery-Dreifuss muscular dystrophy (EDMD). Also called: Scapuloperoneal syndrome, X-linked (formerly); Humeroperoneal neuromuscular disease, (formerly). Identifiers: Orphanet 261, MedGen C0410189, MONDO:0016830.

Allele frequency attached by ClinVar (database versions not stated): TOPMed below 0.00001; ExAC 0.00001; gnomAD exomes 0.00001; ESP Exome Variant Server 0.00008.
gnomAD v4.1: 22 of 1,613,942 alleles (0.0014%); highest among the groups gnomAD compares: East Asian, 0.0045%; no homozygotes.

Submissions (2):

Labcorp Genetics (formerly Invitae), Labcorp
Classification: Uncertain significance for Emery-Dreifuss muscular dystrophy. Last evaluated: 2024-08-13. Review status: criteria provided, single submitter. Criteria: Invitae Variant Classification Sherloc (09022015). Collection method: clinical testing. Allele origin: germline.
Comment: This sequence change replaces arginine, which is basic and polar, with tryptophan, which is neutral and slightly polar, at codon 693 of the SUN2 protein (p.Arg693Trp). This variant is present in population databases (rs370298150, gnomAD 0.01%). This variant has not been reported in the literature in individuals affected with SUN2-related conditions. ClinVar contains an entry for this variant (Variation ID: 2600502). An algorithm developed to predict the effect of missense changes on protein structure and function (PolyPhen-2) suggests that this variant is likely to be disruptive. In summary, the available evidence is currently insufficient to determine the role of this variant in disease. Therefore, it has been classified as a Variant of Uncertain Significance.

Ambry Genetics
Classification: Uncertain significance. Last evaluated: 2023-08-15. Review status: criteria provided, single submitter. Criteria: Ambry Variant Classification Scheme 2023. Collection method: clinical testing. Allele origin: germline.

NM_015374.3(SUN2):c.2077C>T (p.Arg693Trp)

Genes: GTPBP1 (GTP binding protein 1; plus strand), SUN2 (Sad1 and UNC84 domain containing 2; minus strand). Cytogenetic location: 22q13.1.
Variant type: single nucleotide variant.
Coding change: c.2077C>T on transcript NM_015374.3 (MANE Select); coding-DNA position 2077, C replaced by T.
Protein change: p.Arg693Trp; replaces arginine 693 with tryptophan.
Molecular consequence: missense variant.
Genome position (GRCh38, 1-based): chr22:38,736,344, G>A on the plus strand (C>T on the coding strand, the complement: SUN2 is on the minus strand). VCF-style: chr22-38736344-G-A. GRCh37 (hg19) VCF-style: chr22-39132349-G-A.
Other names: c.2140C>T, p.Arg714Trp (NM_001199579.2, NM_001394428.1); c.2077C>T, p.Arg693Trp (NM_001199580.2, NM_001394432.1, NM_001394433.1 and 2 more transcripts); c.2170C>T, p.Arg724Trp (NM_001394427.1); c.2122C>T, p.Arg708Trp (NM_001394429.1, NM_001394430.1); c.2074C>T, p.Arg692Trp (NM_001394437.1, NM_001394436.1); c.1987C>T, p.Arg663Trp (NM_001394438.1); c.1939C>T, p.Arg647Trp (NM_001394439.1, NM_001394440.1, NM_001394441.1); c.1678C>T, p.Arg560Trp (NM_001394442.1); and 2 more; short protein forms R663W, R708W, R647W, R693W, R724W, R501W, R560W, R714W.
Identifiers: ClinVar variation 2600502 (VCV002600502.4), dbSNP rs370298150, ClinGen allele CA10235308.